The following is an entry in ClinVar:

NM_004958.4(MTOR):c.2054C>T (p.Ala685Val)

Gene: MTOR (mechanistic target of rapamycin kinase; minus strand). Cytogenetic location: 1p36.22.
Variant type: single nucleotide variant.
Coding change: c.2054C>T on transcript NM_004958.4 (MANE Select); coding-DNA position 2054, C replaced by T.
Protein change: p.Ala685Val; replaces alanine 685 with valine.
Molecular consequence: missense variant.
Genome position (GRCh38, 1-based): chr1:11,237,997, G>A on the plus strand (C>T on the coding strand, the complement: MTOR is on the minus strand). VCF-style: chr1-11237997-G-A. GRCh37 (hg19) VCF-style: chr1-11298054-G-A.
Other names: c.2054C>T, p.Ala685Val (NM_001386500.1); c.806C>T, p.Ala269Val (NM_001386501.1); short protein forms A269V, A685V.
Identifiers: ClinVar variation 1348604 (VCV001348604.8), dbSNP rs2100898971, ClinGen allele CA338388072.
Genomic context (GRCh38, chr1:11,237,997, plus strand): 5'-AACACCTGGTCATTCAGAGCCACAAACAAGGCCTGCAAGTTCTCCGCCTGGGCCAGGTGT[G>A]CATCAAAGCGCTCGTCCAGGGACGCCAAGACACAGTAGCGAATGTCAGGGTCTGCAAGAG-3'
Protein context (NP_004949.1, residues 675-695): VLASLDERFD[Ala685Val]HLAQAENLQA

ClinVar aggregate classification (germline): Uncertain significance (1 of 4 stars; one submission).

Allele frequency attached by ClinVar (database versions not stated): gnomAD exomes 0.00001.
gnomAD v4.1: 5 of 1,614,198 alleles (0.00031%); highest among the groups gnomAD compares: South Asian, 0.0055%; 1 homozygote.

Submission:

Labcorp Genetics (formerly Invitae), Labcorp
Classification: Uncertain significance. Last evaluated: 2022-08-31. Review status: criteria provided, single submitter. Criteria: Invitae Variant Classification Sherloc (09022015). Collection method: clinical testing. Allele origin: germline.
Comment: This sequence change replaces alanine, which is neutral and non-polar, with valine, which is neutral and non-polar, at codon 685 of the MTOR protein (p.Ala685Val). This variant is not present in population databases (gnomAD no frequency). This variant has not been reported in the literature in individuals affected with MTOR-related conditions. ClinVar contains an entry for this variant (Variation ID: 1348604). Advanced modeling of protein sequence and biophysical properties (such as structural, functional, and spatial information, amino acid conservation, physicochemical variation, residue mobility, and thermodynamic stability) performed at Invitae indicates that this missense variant is not expected to disrupt MTOR protein function. In summary, the available evidence is currently insufficient to determine the role of this variant in disease. Therefore, it has been classified as a Variant of Uncertain Significance.